The following is an entry in ClinVar:

ClinVar aggregate classification (germline): Conflicting classifications of pathogenicity. Review status: criteria provided, conflicting classifications (1 of 4 stars). 3 submissions from 3 submitters: Uncertain significance (2); Likely benign (1). Last evaluated 2026-05-10.

Conditions:
TTN-related disorder. Also called: TTN-related condition; TTN-related disease; TTN-related disorders.
Dilated cardiomyopathy 1G (CMD1G). Identifiers: Orphanet 154, MedGen C1858763, MONDO:0011400, OMIM 604145.
Autosomal recessive limb-girdle muscular dystrophy type 2J (LGMDR10). Also called: Limb-girdle muscular dystrophy, type 2J; MUSCULAR DYSTROPHY, LIMB-GIRDLE, AUTOSOMAL RECESSIVE 10. Identifiers: Orphanet 140922, MedGen C1837342, MONDO:0012127, OMIM 608807.

Allele frequency attached by ClinVar (database versions not stated): ExAC 0.00001; gnomAD 0.00001; gnomAD exomes 0.00002; TOPMed 0.00002.
gnomAD v4.1: 15 of 1,613,316 alleles (0.00093%); highest among the groups gnomAD compares: Admixed American, 0.018%; no homozygotes.

Submissions (3):

PreventionGenetics, part of Exact Sciences
Classification: Uncertain significance for TTN-related condition. Last evaluated: 2026-05-10. Review status: criteria provided, single submitter. Criteria: ACMG Guidelines, 2015. Collection method: clinical testing. Allele origin: germline.
Comment: The TTN c.77188A>G variant is predicted to result in the amino acid substitution p.Ile25730Val. To our knowledge, this variant has not been reported in the literature. This variant is reported in 0.014% of alleles in individuals of Latino descent in gnomAD. At this time, the clinical significance of this variant is uncertain due to the absence of conclusive functional and genetic evidence.

GeneDx
Classification: Likely benign. Last evaluated: 2018-06-28. Review status: criteria provided, single submitter. Criteria: GeneDx Variant Classification Process June 2021. Collection method: clinical testing. Allele origin: germline. Affected: yes.

Labcorp Genetics (formerly Invitae), Labcorp
Classification: Uncertain significance for Dilated cardiomyopathy 1G; Autosomal recessive limb-girdle muscular dystrophy type 2J. Last evaluated: 2017-08-12. Review status: criteria provided, single submitter. Criteria: Invitae Variant Classification Sherloc (09022015). Collection method: clinical testing. Allele origin: germline.

NM_001267550.2(TTN):c.77188A>G (p.Ile25730Val)

Genes: TTN (titin; minus strand), TTN-AS1 (TTN antisense RNA 1; plus strand). Cytogenetic location: 2q31.2.
Variant type: single nucleotide variant.
Coding change: c.77188A>G on transcript NM_001267550.2 (MANE Select); coding-DNA position 77188, A replaced by G.
Protein change: p.Ile25730Val; replaces isoleucine 25730 with valine.
Molecular consequence: missense variant.
Genome position (GRCh38, 1-based): chr2:178,568,944, T>C on the plus strand (A>G on the coding strand, the complement: TTN is on the minus strand). VCF-style: chr2-178568944-T-C. GRCh37 (hg19) VCF-style: chr2-179433671-T-C.
Other names: p.I24089V:ATC>GTC; c.72265A>G, p.Ile24089Val (NM_001256850.1); c.49993A>G, p.Ile16665Val (NM_003319.4); c.69484A>G, p.Ile23162Val (NM_133378.4); c.50368A>G, p.Ile16790Val (NM_133432.3); c.50569A>G, p.Ile16857Val (NM_133437.4); short protein forms I24089V, I25730V, I16665V, I23162V, I16790V, I16857V.
Identifiers: ClinVar variation 202876 (VCV000202876.8), dbSNP rs745981754, ClinGen allele CA310560.